The following is an entry in ClinVar:

ClinVar aggregate classification (germline): Uncertain significance. Review status: criteria provided, multiple submitters, no conflicts (2 of 4 stars). 4 submissions from 4 submitters: Uncertain significance (4). Last evaluated 2022-10-12.

Conditions:
Hypertrophic cardiomyopathy 4. Also called: Familial hypertrophic cardiomyopathy 4. Identifiers: MedGen C1861862, MONDO:0007268, OMIM 115197.
Hypertrophic cardiomyopathy. Also called: HYPERTROPHIC MYOCARDIOPATHY. Identifiers: Orphanet 217569, MedGen C0007194, MeSH D002312, MONDO:0005045, HP:0001639.

Submissions (4):

Labcorp Genetics (formerly Invitae), Labcorp
Classification: Uncertain significance for Hypertrophic cardiomyopathy. Last evaluated: 2022-10-12. Review status: criteria provided, single submitter. Criteria: Invitae Variant Classification Sherloc (09022015). Collection method: clinical testing. Allele origin: germline.
Comment: This sequence change replaces tryptophan, which is neutral and slightly polar, with arginine, which is basic and polar, at codon 1007 of the MYBPC3 protein (p.Trp1007Arg). In summary, the available evidence is currently insufficient to determine the role of this variant in disease. Therefore, it has been classified as a Variant of Uncertain Significance. Algorithms developed to predict the effect of missense changes on protein structure and function (SIFT, PolyPhen-2, Align-GVGD) all suggest that this variant is likely to be disruptive. ClinVar contains an entry for this variant (Variation ID: 180996). This missense change has been observed in individuals with hypertrophic cardiomyopathy (PMID: 25086479, 27532257, 33782553). This variant is not present in population databases (gnomAD no frequency).

Victorian Clinical Genetics Services, Murdoch Childrens Research Institute
Classification: Uncertain significance for Hypertrophic cardiomyopathy 4. Last evaluated: 2021-05-06. Review status: criteria provided, single submitter. Criteria: ACMG Guidelines, 2015. Collection method: clinical testing. Allele origin: germline. Inheritance: Autosomal dominant inheritance. Affected: yes.
Comment: Based on the classification scheme VCGS_Germline_v1.3.4, this variant is classified as VUS-3A. Following criteria are met: 0102 - Loss of function is a known mechanism of disease in this gene and is associated with dilated cardiomyopathy 1MM (MIM#615396), hypertrophic cardiomyopathy 4 (MIM#115197) and left ventricular noncompaction 10 (MIM#615396). (I) 0108 - This gene is associated with both recessive and dominant disease. Dominant inheritance is frequently reported in adult onset conditions, however recessive inheritance results in a more severe early onset phenotype (OMIM). (I) 0200 - Variant is predicted to result in a missense amino acid change from tryptophan to arginine. (I) 0251 - This variant is heterozygous. (I) 0301 - Variant is absent from gnomAD (both v2 and v3). (SP) 0501 - Missense variant consistently predicted to be damaging by multiple in silico tools or highly conserved with a major amino acid change. (SP) 0600 - Variant is located in the annotated Ig-like domain (NCBI, Uniprot). (I) 0705 - No comparable missense variants have previous evidence for pathogenicity. (I) 0804 - This variant has previously been described as a variant of uncertain significance in multiple independent cases with consistent phenotype despite being absent in the general population. This variant has been reported in at least four unrelated individuals with hypertrophic cardiomyopathy, and has also been described once as likely pathogenic (LOVD, ClinVar, PMID: 27532257, PMID: 25086479). (SP) 0906 - Segregation evidence for this variant is inconclusive. This variant was reported to segregate in the affected individual's sibling, and was absent in their unaffected mother (PMID: 25086479). (I) 1007 - No published functional evidence has been identified for this variant. (I) 1208 - Inheritance information for this variant is not currently available in this individual. (I) Legend: (SP) - Supporting pathogenic, (I) - Information, (SB) - Supporting benign

GeneDx
Classification: Uncertain significance. Last evaluated: 2020-11-23. Review status: criteria provided, single submitter. Criteria: GeneDx Variant Classification Process June 2021. Collection method: clinical testing. Allele origin: germline. Affected: yes.
Comment: Not observed in large population cohorts (Lek et al., 2016); In silico analysis supports that this missense variant has a deleterious effect on protein structure/function; This variant is associated with the following publications: (PMID: 27532257, 25086479)

Stanford Center for Inherited Cardiovascular Disease, Stanford University
Classification: Uncertain significance. Last evaluated: 2011-11-30. Review status: criteria provided, single submitter. Criteria: ACMG Guidelines, 2015. Collection method: provider interpretation. Allele origin: germline.

Literature cited by the submitters: PubMed 25086479 (cited by Labcorp Genetics (formerly Invitae), Labcorp and Victorian Clinical Genetics Services, Murdoch Childrens Research Institute); PubMed 27532257 (cited by Labcorp Genetics (formerly Invitae), Labcorp and Victorian Clinical Genetics Services, Murdoch Childrens Research Institute); PubMed 33782553 (cited by Labcorp Genetics (formerly Invitae), Labcorp).

NM_000256.3(MYBPC3):c.3019T>C (p.Trp1007Arg)

Gene: MYBPC3 (myosin binding protein C3; minus strand). Cytogenetic location: 11p11.2.
Variant type: single nucleotide variant.
Coding change: c.3019T>C on transcript NM_000256.3 (MANE Select); coding-DNA position 3019, T replaced by C.
Protein change: p.Trp1007Arg; replaces tryptophan 1007 with arginine.
Molecular consequence: missense variant.
Genome position (GRCh38, 1-based): chr11:47,333,728, A>G on the plus strand (T>C on the coding strand, the complement: MYBPC3 is on the minus strand). VCF-style: chr11-47333728-A-G. GRCh37 (hg19) VCF-style: chr11-47355279-A-G.
Other names: p.W1007R:TGG>CGG; c.3019T>C, p.Trp1007Arg (LRG_386t1); short protein forms W1007R.
Identifiers: ClinVar variation 180996 (VCV000180996.13), dbSNP rs730880585, ClinGen allele CA013338.
Genomic context (GRCh38, chr11:47,333,728, plus strand): 5'-CTGTGGGGCTGTTGCGGATGCTCACCTCCTCGCCTGCCAGGGGCTGCCCCTCTTTGGTCC[A>G]GGTCACCTGAGGCCGGGGCTTGCCCTGAGGGGAGGAAAAGCTTAACCCTGAACCTGGATC-3'
Protein context (NP_000247.2, residues 997-1017): FQGKPRPQVT[Trp1007Arg]TKEGQPLAGE